The following is an entry in ClinVar:

NM_001382391.1(CSPP1):c.1568C>A (p.Ala523Glu)

Gene: CSPP1 (centrosome and spindle pole associated protein 1; plus strand). Cytogenetic location: 8q13.2.
Variant type: single nucleotide variant.
Coding change: c.1568C>A on transcript NM_001382391.1 (MANE Select); coding-DNA position 1568, C replaced by A.
Protein change: p.Ala523Glu; replaces alanine 523 with glutamic acid.
Molecular consequence: missense variant.
Genome position (GRCh38, 1-based): chr8:67,118,319, C>A. VCF-style: chr8-67118319-C-A. GRCh37 (hg19) VCF-style: chr8-68030554-C-A.
Other names: c.671C>A, p.Ala224Glu (NM_001291339.2); c.1487C>A, p.Ala496Glu (NM_001363131.2); c.1526C>A, p.Ala509Glu (NM_001363132.2); c.1445C>A, p.Ala482Glu (NM_001363133.2); c.1634C>A, p.Ala545Glu (NM_001364869.1); c.1454C>A, p.Ala485Glu (NM_001364870.1); c.1553C>A, p.Ala518Glu (NM_024790.7); short protein forms A496E, A523E, A509E, A518E, A482E, A545E, A224E, A485E.
Identifiers: ClinVar variation 1042417 (VCV001042417.9), dbSNP rs375900507, ClinGen allele CA4770577.

ClinVar aggregate classification (germline): Uncertain significance. Review status: criteria provided, multiple submitters, no conflicts (2 of 4 stars). 2 submissions from 2 submitters: Uncertain significance (2). Last evaluated 2025-09-08.

Conditions:
Inborn genetic diseases. Identifiers: MedGen C0950123, MeSH D030342.
Joubert syndrome 21 (JBTS21). Identifiers: MedGen C3810212, MONDO:0014288, OMIM 615636.

Allele frequency attached by ClinVar (database versions not stated): gnomAD 0.00001 and 0.00003; TOPMed 0.00006; ESP Exome Variant Server 0.00008; gnomAD exomes 0.00010 and 0.00011; ExAC 0.00017.
gnomAD v4.1: 147 of 1,613,118 alleles (0.0091%); highest among the groups gnomAD compares: South Asian, 0.057%; no homozygotes.

Submissions (2):

Labcorp Genetics (formerly Invitae), Labcorp
Classification: Uncertain significance for Joubert syndrome 21. Last evaluated: 2025-09-08. Review status: criteria provided, single submitter. Criteria: Invitae Variant Classification Sherloc (09022015). Collection method: clinical testing. Allele origin: germline.
Comment: This sequence change replaces alanine, which is neutral and non-polar, with glutamic acid, which is acidic and polar, at codon 518 of the CSPP1 protein (p.Ala518Glu). This variant is present in population databases (rs375900507, gnomAD 0.06%). This variant has not been reported in the literature in individuals affected with CSPP1-related conditions. ClinVar contains an entry for this variant (Variation ID: 1042417). An algorithm developed to predict the effect of missense changes on protein structure and function (PolyPhen-2) suggests that this variant is likely to be disruptive. In summary, the available evidence is currently insufficient to determine the role of this variant in disease. Therefore, it has been classified as a Variant of Uncertain Significance.

Ambry Genetics
Classification: Uncertain significance for Inborn genetic diseases. Last evaluated: 2023-05-24. Review status: criteria provided, single submitter. Criteria: Ambry Variant Classification Scheme 2023. Collection method: clinical testing. Allele origin: germline.